The following is an entry in ClinVar:

NM_004606.5(TAF1):c.863G>A (p.Ser288Asn)

Gene: TAF1 (TATA-box binding protein associated factor 1; plus strand). Cytogenetic location: Xq13.1.
Variant type: single nucleotide variant.
Coding change: c.863G>A on transcript NM_004606.5 (MANE Select); coding-DNA position 863, G replaced by A.
Protein change: p.Ser288Asn; replaces serine 288 with asparagine.
Molecular consequence: missense variant. On other transcripts: non-coding transcript variant (9).
Genome position (GRCh38, 1-based): chrX:71,377,751, G>A. VCF-style: chrX-71377751-G-A. GRCh37 (hg19) VCF-style: chrX-70597601-G-A.
Other names: c.863G>A, p.Ser288Asn (NM_001286074.2); c.800G>A, p.Ser267Asn (NM_138923.4); short protein forms S267N, S288N.
Identifiers: ClinVar variation 3234757 (VCV003234757.20), dbSNP rs2520137219, ClinGen allele CA413507740.

ClinVar aggregate classification (germline): Uncertain significance (1 of 4 stars; one submission).

Allele frequency attached by ClinVar (database versions not stated): gnomAD exomes below 0.00001.
gnomAD v4.1: 2 of 1,209,745 alleles (0.00017%); highest among the groups gnomAD compares: Non-Finnish European, 0.00011%; no homozygotes.

Submission:

CeGaT Center for Human Genetics Tuebingen
Classification: Uncertain significance. Last evaluated: 2024-04-01. Review status: criteria provided, single submitter. Criteria: CeGaT Center For Human Genetics Tuebingen Variant Classification Criteria Version 2. Collection method: clinical testing. Allele origin: germline. Affected: yes. Observed: 1 variant allele.
Comment: TAF1: PM2, BP4